The following is an entry in ClinVar:

ClinVar aggregate classification (germline): Uncertain significance (1 of 4 stars; one submission).

Conditions:
Neurodevelopmental, jaw, eye, and digital syndrome (NEDJED). Identifiers: MedGen C5394477, MONDO:0030057, OMIM 618914.

gnomAD v4.1: 7 of 1,610,728 alleles (0.00043%); highest among the groups gnomAD compares: Non-Finnish European, 0.00051%; no homozygotes.

Submission:

Neuberg Centre For Genomic Medicine, NCGM
Classification: Uncertain significance for Neurodevelopmental, jaw, eye, and digital syndrome. Last evaluated: 2023-05-20. Review status: criteria provided, single submitter. Criteria: ACMG Guidelines, 2015. Collection method: clinical testing. Allele origin: germline. Inheritance: Autosomal dominant inheritance. Affected: yes.
Comment: The missense c.770G>A (p.Arg257His) variant in the FBXW11 gene has not been reported previously as a pathogenic variant nor as a benign variant, to our knowledge. This variant is absent in the gnomAD Exomes. The amino acid Arginine at position 257 is changed to a Histidine changing protein sequence and it might alter its composition and physico-chemical properties. Multiple lines of computational evidence (Polyphen -Benign, SIFT – Tolerated and MutationTaster - Disease causing) predict a conflicting effect on protein structure and function for this variant. The amino acid change p.Arg257His in FBXW11 is predicted as conserved by GERP++ and PhyloP across 100 vertebrates. For these reasons, this variant has been classified as Uncertain Significance.

NM_001378974.1(FBXW11):c.770G>A (p.Arg257His)

Gene: FBXW11 (F-box and WD repeat domain containing 11; minus strand). Cytogenetic location: 5q35.1.
Variant type: single nucleotide variant.
Coding change: c.770G>A on transcript NM_001378974.1 (MANE Select); coding-DNA position 770, G replaced by A.
Protein change: p.Arg257His; replaces arginine 257 with histidine.
Molecular consequence: missense variant.
Genome position (GRCh38, 1-based): chr5:171,891,549, C>T on the plus strand (G>A on the coding strand, the complement: FBXW11 is on the minus strand). VCF-style: chr5-171891549-C-T. GRCh37 (hg19) VCF-style: chr5-171318553-C-T.
Other names: c.701G>A, p.Arg234His (NM_001378975.1); c.674G>A, p.Arg225His (NM_001378976.1); c.611G>A, p.Arg204His (NM_001378977.1, NM_001378978.1, NM_001378979.1); c.605G>A, p.Arg202His (NM_001378980.1, NM_033645.3); c.707G>A, p.Arg236His (NM_012300.3); c.668G>A, p.Arg223His (NM_033644.3); short protein forms R202H, R204H, R223H, R225H, R234H, R236H, R257H.
Identifiers: ClinVar variation 3367121 (VCV003367121.1).